The following is an entry in ClinVar:

NM_001267550.2(TTN):c.102164T>C (p.Val34055Ala)

Genes: TTN (titin; minus strand), TTN-AS1 (TTN antisense RNA 1; plus strand). Cytogenetic location: 2q31.2.
Variant type: single nucleotide variant.
Coding change: c.102164T>C on transcript NM_001267550.2 (MANE Select); coding-DNA position 102164, T replaced by C.
Protein change: p.Val34055Ala; replaces valine 34055 with alanine.
Molecular consequence: missense variant.
Genome position (GRCh38, 1-based): chr2:178,534,451, A>G on the plus strand (T>C on the coding strand, the complement: TTN is on the minus strand). VCF-style: chr2-178534451-A-G. GRCh37 (hg19) VCF-style: chr2-179399178-A-G.
Other names: c.97241T>C, p.Val32414Ala (NM_001256850.1); c.74969T>C, p.Val24990Ala (NM_003319.4); c.94460T>C, p.Val31487Ala (NM_133378.4); c.75344T>C, p.Val25115Ala (NM_133432.3); c.75545T>C, p.Val25182Ala (NM_133437.4); short protein forms V24990A, V25115A, V25182A, V31487A, V32414A, V34055A.
Identifiers: ClinVar variation 1186809 (VCV001186809.6), dbSNP rs752582515, ClinGen allele CA1985801.
Genomic context (GRCh38, chr2:178,534,451, plus strand): 5'-TGCTTCAACCATGGGTGCTGGAGAGCCTCCGATGCTGTCATGCGAGATTTCCTCTCTTTC[A>G]CTAACAACCGGTCAACAAAATCCATGGCTTCAATGCTAATCTCTTTGAATGCTTCCTCAT-3'
Protein context (NP_001254479.2, residues 34045-34065): EAMDFVDRLL[Val34055Ala]KERKSRMTAS

ClinVar aggregate classification (germline): Conflicting classifications of pathogenicity. Review status: criteria provided, conflicting classifications (1 of 4 stars). 3 submissions from 3 submitters: Uncertain significance (1); Likely benign (2). Last evaluated 2024-06-10.

Allele frequency attached by ClinVar (database versions not stated): gnomAD 0.00001; gnomAD exomes 0.00014 and 0.00003; ExAC 0.00008; TOPMed 0.00005.
gnomAD v4.1: 45 of 1,612,974 alleles (0.0028%); highest among the groups gnomAD compares: Admixed American, 0.062%; no homozygotes.

Submissions (3):

Revvity Omics, Revvity
Classification: Uncertain significance. Last evaluated: 2024-06-10. Review status: criteria provided, single submitter. Criteria: ACMG Guidelines, 2015. Collection method: clinical testing. Allele origin: germline.

Women's Health and Genetics/Laboratory Corporation of America, LabCorp
Classification: Likely benign. Last evaluated: 2022-08-29. Review status: criteria provided, single submitter. Criteria: LabCorp Variant Classification Summary - May 2015. Collection method: clinical testing. Allele origin: germline.
Comment: Variant summary: TTN c.94460T>C (p.Val31487Ala) results in a non-conservative amino acid change located in the M-band region of the encoded protein sequence. Three of four in-silico tools predict a damaging effect of the variant on protein function. The variant allele was found at a frequency of 0.00014 in 248340 control chromosomes, predominantly at a frequency of 0.00099 within the Latino subpopulation in the gnomAD database. The observed variant frequency within Latino control individuals in the gnomAD database is approximately 2.5-fold of the estimated maximal expected allele frequency for a pathogenic variant in TTN causing Dilated Cardiomyopathy phenotype (0.00039), strongly suggesting that the variant is a benign polymorphism found primarily in populations of Latino origin. c.94460T>C has been reported in the literature in an individual affected with polymicrogyria (Allen_2021). This individual also had a de novo co-occurrence classified as pathogenic by the authors (CCND2 p.Thr280Asp). This report does not provide unequivocal conclusions about association of the variant with Dilated Cardiomyopathy. To our knowledge, no experimental evidence demonstrating an impact on protein function has been reported. One clinical diagnostic laboratory has submitted clinical-significance assessments for this variant to ClinVar after 2014 and classified the variant as likely benign. Based on the evidence outlined above, the variant was classified as likely benign.

GeneDx
Classification: Likely benign. Last evaluated: 2020-03-17. Review status: criteria provided, single submitter. Criteria: GeneDx Variant Classification Process June 2021. Collection method: clinical testing. Allele origin: germline. Affected: yes.